The following is an entry in ClinVar:

NM_007129.5(ZIC2):c.953A>G (p.Tyr318Cys)

Gene: ZIC2 (Zic family zinc finger 2; plus strand). Cytogenetic location: 13q32.3.
Variant type: single nucleotide variant.
Coding change: c.953A>G on transcript NM_007129.5 (MANE Select); coding-DNA position 953, A replaced by G.
Protein change: p.Tyr318Cys; replaces tyrosine 318 with cysteine.
Molecular consequence: missense variant.
Genome position (GRCh38, 1-based): chr13:99,983,017, A>G. VCF-style: chr13-99983017-A-G. GRCh37 (hg19) VCF-style: chr13-100635271-A-G.
Other names: c.953A>G (NM_007129.3); short protein forms Y318C.
Identifiers: ClinVar variation 1722291 (VCV001722291.6), dbSNP rs2501545142, ClinGen allele CA388638468.

ClinVar aggregate classification (germline): Conflicting classifications of pathogenicity. Review status: criteria provided, conflicting classifications (1 of 4 stars). 2 submissions from 2 submitters: Likely pathogenic (1); Uncertain significance (1). Last evaluated 2022-12-14.

Conditions:
ZIC2-related disorder. Also called: ZIC2-related condition.
Holoprosencephaly 5 (HPE5). Identifiers: Orphanet 2162, MedGen C1864827, MONDO:0012322, OMIM 609637.

Submissions (2):

Labcorp Genetics (formerly Invitae), Labcorp
Classification: Uncertain significance for Holoprosencephaly 5. Last evaluated: 2022-12-14. Review status: criteria provided, single submitter. Criteria: Invitae Variant Classification Sherloc (09022015). Collection method: clinical testing. Allele origin: germline.
Comment: In summary, the available evidence is currently insufficient to determine the role of this variant in disease. Therefore, it has been classified as a Variant of Uncertain Significance. Advanced modeling of protein sequence and biophysical properties (such as structural, functional, and spatial information, amino acid conservation, physicochemical variation, residue mobility, and thermodynamic stability) performed at Invitae indicates that this missense variant is expected to disrupt ZIC2 protein function. ClinVar contains an entry for this variant (Variation ID: 1722291). This variant has not been reported in the literature in individuals affected with ZIC2-related conditions. This variant is not present in population databases (gnomAD no frequency). This sequence change replaces tyrosine, which is neutral and polar, with cysteine, which is neutral and slightly polar, at codon 318 of the ZIC2 protein (p.Tyr318Cys).

PreventionGenetics, part of Exact Sciences
Classification: Likely pathogenic for ZIC2-related condition. Last evaluated: 2022-09-23. Review status: criteria provided, single submitter. Criteria: ACMG Guidelines, 2015. Collection method: clinical testing. Allele origin: germline.
Comment: The ZIC2 c.953A>G variant is predicted to result in the amino acid substitution p.Tyr318Cys. To our knowledge, this variant has not been reported in the literature or in a large population database, indicating this variant is rare. However, this variant in located within a zinc-finger motif, where a majority of missense variants (81%, 17/21) have been detected (Fig.1, Roessler et al. 2009. PubMed ID: 19177455). This variant is interpreted as likely pathogenic.